The following is an entry in ClinVar:

NM_000161.3(GCH1):c.*197C>T

Gene: GCH1 (GTP cyclohydrolase 1; minus strand). Cytogenetic location: 14q22.2.
Variant type: single nucleotide variant.
Coding change: c.*197C>T on transcript NM_000161.3 (MANE Select); 197 bases downstream of the stop codon, C replaced by T.
Molecular consequence: 3 prime UTR variant. On other transcripts: missense variant (1), intron variant (2).
Genome position (GRCh38, 1-based): chr14:54,843,820, G>A on the plus strand (C>T on the coding strand, the complement: GCH1 is on the minus strand). VCF-style: chr14-54843820-G-A. GRCh37 (hg19) VCF-style: chr14-55310538-G-A.
Other names: c.676C>T, p.His226Tyr (NM_001024070.2); c.627-766C>T (NM_001024071.2); c.*16+181C>T (NM_001024024.2); short protein forms H226Y.
Identifiers: ClinVar variation 1690957 (VCV001690957.3), dbSNP rs890979460, ClinGen allele CA260542739.
Genomic context (GRCh38, chr14:54,843,820, plus strand): 5'-GTGGTTTTGTGCACGTACTTACACTATTAGCAGTTCACTTTAATATTGCCACAAAAAGGT[G>A]GCAAGAAGAAAGTAGAGGGCTCAACCCTTTATTATATTTATTTGACTTCCTAGAAATAAT-3'

ClinVar aggregate classification (germline): Uncertain significance. Review status: criteria provided, multiple submitters, no conflicts (2 of 4 stars). 2 submissions from 2 submitters: Uncertain significance (2). Last evaluated 2020-11-05.

Allele frequency attached by ClinVar (database versions not stated): gnomAD exomes below 0.00001.
gnomAD v4.1: 1 of 1,613,588 alleles (0.000062%); highest among the groups gnomAD compares: Non-Finnish European, 0.000085%; no homozygotes.

Submissions (2):

Laboratorio de Genetica e Diagnostico Molecular, Hospital Israelita Albert Einstein
Classification: Uncertain significance. Last evaluated: 2020-11-05. Review status: criteria provided, single submitter. Criteria: ACMG Guidelines, 2015. Collection method: clinical testing. Allele origin: germline. Affected: yes.
Comment: ACMG classification criteria: PM2

Blueprint Genetics
Classification: Uncertain significance. Last evaluated: 2020-07-10. Review status: criteria provided, single submitter. Criteria: ACMG Guidelines, 2015. Collection method: clinical testing. Allele origin: germline.